The following is an entry in ClinVar:

NM_080669.6(SLC46A1):c.1345C>G (p.His449Asp)

Genes: SARM1 (sterile alpha and TIR motif containing 1; plus strand), SLC46A1 (solute carrier family 46 member 1; minus strand). Cytogenetic location: 17q11.2.
Variant type: single nucleotide variant.
Coding change: c.1345C>G on transcript NM_080669.6 (MANE Select); coding-DNA position 1345, C replaced by G.
Protein change: p.His449Asp; replaces histidine 449 with aspartic acid.
Molecular consequence: missense variant. On other transcripts: 3 prime UTR variant (1).
Genome position (GRCh38, 1-based): chr17:28,399,691, G>C on the plus strand (C>G on the coding strand, the complement: SLC46A1 is on the minus strand). VCF-style: chr17-28399691-G-C. GRCh37 (hg19) VCF-style: chr17-26726707-G-C.
Other names: c.1261C>G, p.His421Asp (NM_001242366.3); c.*3405G>C (NM_015077.4); short protein forms H421D, H449D.
Identifiers: ClinVar variation 2041867 (VCV002041867.4), dbSNP rs782088415, ClinGen allele CA398341080.

ClinVar aggregate classification (germline): Uncertain significance (1 of 4 stars; one submission).

Submission:

Labcorp Genetics (formerly Invitae), Labcorp
Classification: Uncertain significance. Last evaluated: 2022-04-15. Review status: criteria provided, single submitter. Criteria: Invitae Variant Classification Sherloc (09022015). Collection method: clinical testing. Allele origin: germline.
Comment: In summary, the available evidence is currently insufficient to determine the role of this variant in disease. Therefore, it has been classified as a Variant of Uncertain Significance. Experimental studies and prediction algorithms are not available or were not evaluated, and the functional significance of this variant is currently unknown. This variant has not been reported in the literature in individuals affected with SLC46A1-related conditions. This variant is not present in population databases (gnomAD no frequency). This sequence change replaces histidine, which is basic and polar, with aspartic acid, which is acidic and polar, at codon 449 of the SLC46A1 protein (p.His449Asp).